The following is an entry in ClinVar:

NM_021096.4(CACNA1I):c.3770T>C (p.Val1257Ala)

Gene: CACNA1I (calcium voltage-gated channel subunit alpha1 I; plus strand). Cytogenetic location: 22q13.1.
Variant type: single nucleotide variant.
Coding change: c.3770T>C on transcript NM_021096.4 (MANE Select); coding-DNA position 3770, T replaced by C.
Protein change: p.Val1257Ala; replaces valine 1257 with alanine.
Molecular consequence: missense variant.
Genome position (GRCh38, 1-based): chr22:39,664,842, T>C. VCF-style: chr22-39664842-T-C. GRCh37 (hg19) VCF-style: chr22-40060847-T-C.
Other names: c.3665T>C, p.Val1222Ala (NM_001003406.2); short protein forms V1222A, V1257A.
Identifiers: ClinVar variation 5018969 (VCV005018969.2).

ClinVar aggregate classification (germline): Uncertain significance (1 of 4 stars; one submission).

Conditions:
Neurodevelopmental disorder with speech impairment and with or without seizures. Also called: Neurodevelopmental disorder with variable intellectual disability and speech impairment, with or without seizures. Identifiers: MedGen C5774252, MONDO:0859313, OMIM 620114.

gnomAD v4.1: 7 of 1,613,010 alleles (0.00043%); highest among the groups gnomAD compares: East Asian, 0.0089%; no homozygotes.

Submission:

Juno Genomics, Hangzhou Juno Genomics, Inc
Classification: Uncertain significance for Neurodevelopmental disorder with speech impairment and with or without seizures. Review status: criteria provided, single submitter. Criteria: ACMG Guidelines, 2015. Collection method: clinical testing. Allele origin: germline.
Comment: Absent from controls (or at extremely low frequency if recessive) in Genome Aggregation Database.;Multiple lines of computational evidence support a deleterious effect on the gene or gene product.;Missense variant in a gene that has a low rate of benign missense variation.